The following is an entry in ClinVar:

ClinVar aggregate classification (germline): Likely benign (1 of 4 stars; one submission).

Allele frequency attached by ClinVar (database versions not stated): ExAC 0.00176; 1000 Genomes Project 0.00180; 1000 Genomes Project 30x 0.00203; gnomAD 0.00238; TOPMed 0.00262; ESP Exome Variant Server 0.00284; gnomAD exomes 0.00324.
gnomAD v4.1: 5,097 of 1,613,096 alleles (0.32%); highest among the groups gnomAD compares: Non-Finnish European, 0.39%; 16 homozygotes.

Submission:

CeGaT Center for Human Genetics Tuebingen
Classification: Likely benign. Last evaluated: 2022-07-01. Review status: criteria provided, single submitter. Criteria: CeGaT Center For Human Genetics Tuebingen Variant Classification Criteria Version 2. Collection method: clinical testing. Allele origin: germline. Affected: yes. Observed: 1 variant allele.
Comment: TJP3: BP4, BP7

NM_001267560.2(TJP3):c.1500C>T (p.Asp500=)

Gene: TJP3 (tight junction protein 3; plus strand). Cytogenetic location: 19p13.3.
Variant type: single nucleotide variant.
Coding change: c.1500C>T on transcript NM_001267560.2 (MANE Select); coding-DNA position 1500, C replaced by T.
Protein change: p.Asp500=; no amino-acid change (aspartic acid 500 retained).
Molecular consequence: synonymous variant.
Genome position (GRCh38, 1-based): chr19:3,739,003, C>T. VCF-style: chr19-3739003-C-T. GRCh37 (hg19) VCF-style: chr19-3739001-C-T.
Other names: c.1527C>T, p.Asp509= (NM_001267561.2).
Identifiers: ClinVar variation 2649008 (VCV002649008.24), dbSNP rs56138006, ClinGen allele CA9083561.